The following is an entry in ClinVar:

NM_018013.4(SOBP):c.319A>G (p.Thr107Ala)

Gene: SOBP (sine oculis binding protein homolog; plus strand). Cytogenetic location: 6q21.
Variant type: single nucleotide variant.
Coding change: c.319A>G on transcript NM_018013.4 (MANE Select); coding-DNA position 319, A replaced by G.
Protein change: p.Thr107Ala; replaces threonine 107 with alanine.
Molecular consequence: missense variant.
Genome position (GRCh38, 1-based): chr6:107,506,325, A>G. VCF-style: chr6-107506325-A-G. GRCh37 (hg19) VCF-style: chr6-107827529-A-G.
Other names: short protein forms T107A.
Identifiers: ClinVar variation 130362 (VCV000130362.12), dbSNP rs148915050, ClinGen allele CA155270.

ClinVar aggregate classification (germline): Benign/Likely benign. Review status: criteria provided, multiple submitters, no conflicts (2 of 4 stars). 4 submissions from 4 submitters: Benign (1); Likely benign (2). 1 of the submissions does not count toward it. Last evaluated 2019-12-31.

Allele frequency attached by ClinVar (database versions not stated): gnomAD 0.00693 and 0.00734; TOPMed 0.00776; ESP Exome Variant Server 0.00802; 1000 Genomes Project 0.01138; 1000 Genomes Project 30x 0.01156.
gnomAD v4.1: 2,018 of 1,614,216 alleles (0.13%); highest among the groups gnomAD compares: African/African-American, 2.4%; 15 homozygotes.

Submissions (4):

Labcorp Genetics (formerly Invitae), Labcorp
Classification: Benign. Last evaluated: 2019-12-31. Review status: criteria provided, single submitter. Criteria: Invitae Variant Classification Sherloc (09022015). Collection method: clinical testing. Allele origin: germline.

Center for Pediatric Genomic Medicine, Children's Mercy Hospital and Clinics
Classification: Likely benign. Last evaluated: 2017-04-27. Review status: criteria provided, single submitter. Criteria: ACMG Guidelines, 2015. Collection method: clinical testing. Allele origin: germline.

Breakthrough Genomics
Classification: Likely benign. Review status: criteria provided, single submitter. Criteria: ACMG Guidelines, 2015. Collection method: not provided. Allele origin: germline. Inheritance: Autosomal recessive inheritance. Affected: yes.

Genetic Services Laboratory, University of Chicago
Classification: Likely benign for AllHighlyPenetrant. Review status: no assertion criteria provided. Collection method: clinical testing. Allele origin: germline. Inheritance: Autosomal recessive inheritance. Not counted in ClinVar's aggregate classification.
Comment: Likely benign based on allele frequency in 1000 Genomes Project or ESP global frequency and its presence in a patient with a rare or unrelated disease phenotype. NOT Sanger confirmed.